The following is an entry in ClinVar:

NM_004586.3(RPS6KA3):c.486+1G>T

Gene: RPS6KA3 (ribosomal protein S6 kinase A3; minus strand). Cytogenetic location: Xp22.12.
Variant type: single nucleotide variant.
Coding change: c.486+1G>T on transcript NM_004586.3 (MANE Select); the canonical splice donor site of the intron after coding-DNA position 486, G replaced by T.
Molecular consequence: splice donor variant.
Genome position (GRCh38, 1-based): chrX:20,194,188, C>A on the plus strand (G>T on the coding strand, the complement: RPS6KA3 is on the minus strand). VCF-style: chrX-20194188-C-A. GRCh37 (hg19) VCF-style: chrX-20212306-C-A.
Other names: c.402+1G>T (NM_001438340.1).
Identifiers: ClinVar variation 4082563 (VCV004082563.1).

ClinVar aggregate classification (germline): Pathogenic (1 of 4 stars; one submission).

Submission:

GeneDx
Classification: Pathogenic. Last evaluated: 2025-03-05. Review status: criteria provided, single submitter. Criteria: GeneDx Variant Classification Process June 2021. Collection method: clinical testing. Allele origin: germline. Affected: yes.
Comment: Canonical splice site variant predicted to result in a null allele in a gene for which loss of function is a known mechanism of disease; Not observed at significant frequency in large population cohorts (gnomAD); Has not been previously published as pathogenic or benign to our knowledge